The following is an entry in ClinVar:

NM_005188.4(CBL):c.801C>G (p.Gly267=)

Gene: CBL (Cbl proto-oncogene; plus strand). Cytogenetic location: 11q23.3.
Variant type: single nucleotide variant.
Coding change: c.801C>G on transcript NM_005188.4 (MANE Select); coding-DNA position 801, C replaced by G.
Protein change: p.Gly267=; no amino-acid change (glycine 267 retained).
Molecular consequence: synonymous variant.
Genome position (GRCh38, 1-based): chr11:119,274,885, C>G. VCF-style: chr11-119274885-C-G. GRCh37 (hg19) VCF-style: chr11-119145595-C-G.
Identifiers: ClinVar variation 162830 (VCV000162830.12), dbSNP rs727502913, ClinGen allele CA175399.

ClinVar aggregate classification (germline): Likely benign. Review status: criteria provided, multiple submitters, no conflicts (2 of 4 stars). 3 submissions from 3 submitters: Likely benign (3). Last evaluated 2025-08-24.

Conditions:
Cardiovascular phenotype. Identifiers: MedGen CN230736.
RASopathy. Also called: rasopathies; Noonan spectrum disorder. Identifiers: Orphanet 536391, MedGen C5555857, MONDO:0021060.

Allele frequency attached by ClinVar (database versions not stated): ExAC 0.00002; gnomAD exomes 0.00002; TOPMed 0.00004.
gnomAD v4.1: 29 of 1,613,804 alleles (0.0018%); highest among the groups gnomAD compares: Admixed American, 0.0033%; no homozygotes.

Submissions (3):

Labcorp Genetics (formerly Invitae), Labcorp
Classification: Likely benign for RASopathy. Last evaluated: 2025-08-24. Review status: criteria provided, single submitter. Criteria: Invitae Variant Classification Sherloc (09022015). Collection method: clinical testing. Allele origin: germline.

Ambry Genetics
Classification: Likely benign for Cardiovascular phenotype. Last evaluated: 2024-11-27. Review status: criteria provided, single submitter. Criteria: Ambry Variant Classification Scheme 2023. Collection method: clinical testing. Allele origin: germline.

Laboratory for Molecular Medicine, Mass General Brigham Personalized Medicine
Classification: Likely benign. Last evaluated: 2014-05-20. Review status: criteria provided, single submitter. Criteria: LMM Criteria. Collection method: clinical testing. Allele origin: germline. Observed: 1 variant allele.
Comment: Gly267Gly in exon 5 of CBL: This variant is not expected to have clinical signif icance because it does not alter an amino acid residue and is not located within the splice consensus sequence.